The following is an entry in ClinVar:

NM_001197104.2(KMT2A):c.1732A>G (p.Ile578Val)

Gene: KMT2A (lysine methyltransferase 2A; plus strand). Cytogenetic location: 11q23.3.
Variant type: single nucleotide variant.
Coding change: c.1732A>G on transcript NM_001197104.2 (MANE Select); coding-DNA position 1732, A replaced by G.
Protein change: p.Ile578Val; replaces isoleucine 578 with valine.
Molecular consequence: missense variant.
Genome position (GRCh38, 1-based): chr11:118,472,891, A>G. VCF-style: chr11-118472891-A-G. GRCh37 (hg19) VCF-style: chr11-118343606-A-G.
Other names: c.1831A>G, p.Ile611Val (NM_001412597.1); c.1732A>G, p.Ile578Val (NM_005933.4); short protein forms I578V, I611V.
Identifiers: ClinVar variation 4536747 (VCV004536747.1).
Genomic context (GRCh38, chr11:118,472,891, plus strand): 5'-TCCTCGTCTCCACCTCCACCTCTGCTGACTCCACCGCCACCACTGCAGCCAGCCTCCAGT[A>G]TCTCTGACCACACACCTTGGCTTATGCCTCCAACAATCCCCTTAGCATCACCATTTTTGC-3'
Protein context (NP_001184033.1, residues 568-588): PPPPLQPASS[Ile578Val]SDHTPWLMPP

ClinVar aggregate classification (germline): Uncertain significance (1 of 4 stars; one submission).

Submission:

Women's Health and Genetics/Laboratory Corporation of America, LabCorp
Classification: Uncertain significance. Last evaluated: 2025-11-13. Review status: criteria provided, single submitter. Criteria: LabCorp Variant Classification Summary - May 2015. Collection method: clinical testing. Allele origin: germline.
Comment: Variant summary: KMT2A c.1732A>G (p.Ile578Val) results in a conservative amino acid change in the encoded protein sequence. Algorithms developed to predict the effect of missense changes on protein structure and function are either unavailable or do not agree on the potential impact of this missense change. The variant was absent in 251406 control chromosomes. The available data on variant occurrences in the general population are insufficient to allow any conclusion about variant significance. To our knowledge, no occurrence of c.1732A>G in individuals affected with KMT2A-related conditions and no experimental evidence demonstrating its impact on protein function have been reported. No submitters have cited clinical-significance assessments for this variant to ClinVar. Based on the evidence outlined above, the variant was classified as uncertain significance.